The following is an entry in ClinVar:

ClinVar aggregate classification (germline): Likely pathogenic (1 of 4 stars; one submission).

Conditions:
Dilated cardiomyopathy 1KK (CMD1KK). Identifiers: Orphanet 154, Orphanet 75249, MedGen C3714995, MONDO:0014100, OMIM 615248.

gnomAD v4.1: 5 of 1,613,538 alleles (0.00031%); highest among the groups gnomAD compares: Non-Finnish European, 0.00042%; no homozygotes.

Submission:

Labcorp Genetics (formerly Invitae), Labcorp
Classification: Likely pathogenic for Dilated cardiomyopathy 1KK. Last evaluated: 2024-10-23. Review status: criteria provided, single submitter. Criteria: Invitae Variant Classification Sherloc (09022015). Collection method: clinical testing. Allele origin: germline.
Comment: This sequence change affects a donor splice site in intron 3 of the MYPN gene. It is expected to disrupt RNA splicing. Variants that disrupt the donor or acceptor splice site typically lead to a loss of protein function (PMID: 16199547), and loss-of-function variants in MYPN are known to be pathogenic (PMID: 28017374). This variant is present in population databases (rs761933314, gnomAD 0.005%). This variant has not been reported in the literature in individuals affected with MYPN-related conditions. Algorithms developed to predict the effect of sequence changes on RNA splicing suggest that this variant may disrupt the consensus splice site. In summary, the currently available evidence indicates that the variant is pathogenic, but additional data are needed to prove that conclusively. Therefore, this variant has been classified as Likely Pathogenic.

Literature cited by the submitters: PubMed 16199547; PubMed 28017374.

NM_032578.4(MYPN):c.1078+1G>A

Gene: MYPN (myopalladin; plus strand). Cytogenetic location: 10q21.3.
Variant type: single nucleotide variant.
Coding change: c.1078+1G>A on transcript NM_032578.4 (MANE Select); the canonical splice donor site of the intron after coding-DNA position 1078, G replaced by A.
Molecular consequence: splice donor variant.
Genome position (GRCh38, 1-based): chr10:68,143,116, G>A. VCF-style: chr10-68143116-G-A. GRCh37 (hg19) VCF-style: chr10-69902873-G-A.
Other names: c.1078+1G>A (NM_001256267.2); c.196+1G>A (NM_001256268.2).
Identifiers: ClinVar variation 3628681 (VCV003628681.2).
Genomic context (GRCh38, chr10:68,143,116, plus strand): 5'-CCTGCTTTGCTTCTAACATCTATGGGACAGATTCGACTTCTGCTGAGATTTATATAGAAG[G>A]TAAAACAAAATGCTCTTGGAGTATGACACTTAATAGTAAGACATTTAGTTATAATAAATA-3'